The following is an entry in ClinVar:

NM_005612.5(REST):c.62A>G (p.Asn21Ser)

Gene: REST (RE1 silencing transcription factor; plus strand). Cytogenetic location: 4q12.
Variant type: single nucleotide variant.
Coding change: c.62A>G on transcript NM_005612.5 (MANE Select); coding-DNA position 62, A replaced by G.
Protein change: p.Asn21Ser; replaces asparagine 21 with serine.
Molecular consequence: missense variant.
Genome position (GRCh38, 1-based): chr4:56,910,700, A>G. VCF-style: chr4-56910700-A-G. GRCh37 (hg19) VCF-style: chr4-57776866-A-G.
Other names: c.62A>G, p.Asn21Ser (NM_001193508.2, NM_001363453.3); short protein forms N21S.
Identifiers: ClinVar variation 2870693 (VCV002870693.3), dbSNP rs2475797367, ClinGen allele CA357002461.

ClinVar aggregate classification (germline): Uncertain significance (1 of 4 stars; one submission).

Submission:

Labcorp Genetics (formerly Invitae), Labcorp
Classification: Uncertain significance. Last evaluated: 2023-07-17. Review status: criteria provided, single submitter. Criteria: Invitae Variant Classification Sherloc (09022015). Collection method: clinical testing. Allele origin: germline.
Comment: Algorithms developed to predict the effect of missense changes on protein structure and function output the following: SIFT: "Not Available"; PolyPhen-2: "Benign"; Align-GVGD: "Not Available". The serine amino acid residue is found in multiple mammalian species, which suggests that this missense change does not adversely affect protein function. In summary, the available evidence is currently insufficient to determine the role of this variant in disease. Therefore, it has been classified as a Variant of Uncertain Significance. This variant has not been reported in the literature in individuals affected with REST-related conditions. This variant is not present in population databases (gnomAD no frequency). This sequence change replaces asparagine, which is neutral and polar, with serine, which is neutral and polar, at codon 21 of the REST protein (p.Asn21Ser).